The following is an entry in ClinVar:

ClinVar aggregate classification (germline): Uncertain significance (1 of 4 stars; one submission).

Conditions:
Peutz-Jeghers syndrome (PJS). Also called: Peutz-Jeghers polyposis; Periorificial lentiginosis syndrome; POLYPOSIS, HAMARTOMATOUS INTESTINAL; POLYPS-AND-SPOTS SYNDROME. Identifiers: Orphanet 2869, MedGen C0031269, MeSH D010580, MONDO:0008280, OMIM 175200.

Submission:

Labcorp Genetics (formerly Invitae), Labcorp
Classification: Uncertain significance for Peutz-Jeghers syndrome. Last evaluated: 2017-05-13. Review status: criteria provided, single submitter. Criteria: Invitae Variant Classification Sherloc (09022015). Collection method: clinical testing. Allele origin: germline.
Comment: In summary, this variant is a rare missense change that is not predicted to affect protein function. There is no indication that it causes disease, but the available evidence is currently insufficient to prove that conclusively. Therefore, it has been classified as a Variant of Uncertain Significance. Algorithms developed to predict the effect of missense changes on protein structure and function (SIFT, PolyPhen-2, Align-GVGD) all suggest that this variant is likely to be tolerated, but these predictions have not been confirmed by published functional studies. This variant is not present in population databases (ExAC no frequency) and has not been reported in the literature in individuals with a STK11-related disease. ClinVar contains an entry for this variant (Variation ID: 403782). This sequence change replaces glutamine with leucine at codon 371 of the STK11 protein (p.Gln371Leu). The glutamine residue is highly conserved and there is a moderate physicochemical difference between glutamine and leucine.

NM_000455.5(STK11):c.1112A>T (p.Gln371Leu)

Gene: STK11 (serine/threonine kinase 11; plus strand). Cytogenetic location: 19p13.3.
Variant type: single nucleotide variant.
Coding change: c.1112A>T on transcript NM_000455.5 (MANE Select); coding-DNA position 1112, A replaced by T.
Protein change: p.Gln371Leu; replaces glutamine 371 with leucine.
Molecular consequence: missense variant.
Genome position (GRCh38, 1-based): chr19:1,226,457, A>T. VCF-style: chr19-1226457-A-T. GRCh37 (hg19) VCF-style: chr19-1226456-A-T.
Other names: short protein forms Q371L.
Identifiers: ClinVar variation 403782 (VCV000403782.8), dbSNP rs1060499963, ClinGen allele CA16616034.